The following is an entry in ClinVar:

ClinVar aggregate classification (germline): Uncertain significance (1 of 4 stars; one submission).

Allele frequency attached by ClinVar (database versions not stated): gnomAD 0.00001; TOPMed 0.00001.
gnomAD v4.1: 1 of 1,613,582 alleles (0.000062%); highest among the groups gnomAD compares: African/African-American, 0.0013%; no homozygotes.

Submission:

Labcorp Genetics (formerly Invitae), Labcorp
Classification: Uncertain significance. Last evaluated: 2023-01-20. Review status: criteria provided, single submitter. Criteria: Invitae Variant Classification Sherloc (09022015). Collection method: clinical testing. Allele origin: germline.
Comment: In summary, the available evidence is currently insufficient to determine the role of this variant in disease. Therefore, it has been classified as a Variant of Uncertain Significance. Algorithms developed to predict the effect of missense changes on protein structure and function output the following: SIFT: "Deleterious"; PolyPhen-2: "Benign"; Align-GVGD: "Class C0". The arginine amino acid residue is found in multiple mammalian species, which suggests that this missense change does not adversely affect protein function. This variant has not been reported in the literature in individuals affected with CARD8-related conditions. This variant is not present in population databases (gnomAD no frequency). This sequence change replaces glutamine, which is neutral and polar, with arginine, which is basic and polar, at codon 110 of the CARD8 protein (p.Gln110Arg).

NM_001184900.3(CARD8):c.479A>G (p.Gln160Arg)

Gene: CARD8 (caspase recruitment domain family member 8; minus strand). Cytogenetic location: 19q13.33.
Variant type: single nucleotide variant.
Coding change: c.479A>G on transcript NM_001184900.3 (MANE Select); coding-DNA position 479, A replaced by G.
Protein change: p.Gln160Arg; replaces glutamine 160 with arginine.
Molecular consequence: missense variant. On other transcripts: non-coding transcript variant (4).
Genome position (GRCh38, 1-based): chr19:48,231,723, T>C on the plus strand (A>G on the coding strand, the complement: CARD8 is on the minus strand). VCF-style: chr19-48231723-T-C. GRCh37 (hg19) VCF-style: chr19-48734980-T-C.
Other names: c.329A>G, p.Gln110Arg (NM_001184901.1, NM_001351783.2, NM_001351788.2 and 2 more transcripts); c.479A>G, p.Gln160Arg (NM_001184902.2, NM_001184903.1, NM_001351782.2); c.164A>G, p.Gln55Arg (NM_001351784.2, NM_001351787.2, NM_001351791.2 and 2 more transcripts); c.143A>G, p.Gln48Arg (NM_001351786.2); c.236A>G, p.Gln79Arg (NM_001351790.2); c.-344A>G (NM_001426741.1); short protein forms Q55R, Q110R, Q160R, Q48R, Q79R.
Identifiers: ClinVar variation 2830528 (VCV002830528.3), dbSNP rs2042929616, ClinGen allele CA406644860.